The following is an entry in ClinVar:

NM_001378454.1(ALMS1):c.57_58insTAGGAG (p.Glu20Ter)

Gene: ALMS1 (ALMS1 centrosome and basal body associated protein; plus strand). Cytogenetic location: 2p13.1.
Variant type: Insertion.
Coding change: c.57_58insTAGGAG on transcript NM_001378454.1 (MANE Select); coding-DNA positions 57 to 58, TAGGAG inserted.
Protein change: p.Glu20Ter; replaces glutamic acid 20 with a stop codon.
Molecular consequence: nonsense.
Genome position: GRCh38 VCF-style: chr2-73385920-G-GAGGAGT. GRCh37 (hg19) VCF-style: chr2-73613048-G-GAGGAGT.
Other names: c.60_61insTAGGAG, p.Glu21Ter (NM_015120.4); short protein forms E21*, E20*.
Identifiers: ClinVar variation 653256 (VCV000653256.6), dbSNP rs1574423697, ClinGen allele CA915944069.
Genomic context (GRCh38, chr2:73,385,920, plus strand): 5'-GACACCAACATGGAGCCCGAGGATCTGCCATGGCCGGGCGAGCTGGAGGAGGAGGAGGAG[G>GAGGAGT]AGGAGGAGGAGGAGGAGGAGGAAGAGGAGGAGGCTGCAGCGGCGGCGGCGGCGAACGTGG-3'

ClinVar aggregate classification (germline): Pathogenic (1 of 4 stars; one submission).

Conditions:
Alstrom syndrome (ALMS). Identifiers: Orphanet 64, MedGen C0268425, MONDO:0008763, OMIM 203800.

Submission:

Labcorp Genetics (formerly Invitae), Labcorp
Classification: Pathogenic for Alstrom syndrome. Last evaluated: 2025-03-12. Review status: criteria provided, single submitter. Criteria: Invitae Variant Classification Sherloc (09022015). Collection method: clinical testing. Allele origin: germline.
Comment: This sequence change creates a premature translational stop signal (p.Glu21*) in the ALMS1 gene. It is expected to result in an absent or disrupted protein product. Loss-of-function variants in ALMS1 are known to be pathogenic (PMID: 17594715). This variant is not present in population databases (gnomAD no frequency). This variant has not been reported in the literature in individuals affected with ALMS1-related conditions. ClinVar contains an entry for this variant (Variation ID: 653256). For these reasons, this variant has been classified as Pathogenic.

Literature cited by the submitters: PubMed 17594715.